The following is an entry in ClinVar:

ClinVar aggregate classification (germline): Conflicting classifications of pathogenicity. Review status: criteria provided, conflicting classifications (1 of 4 stars). 7 submissions from 7 submitters: Uncertain significance (6); Likely benign (1). Last evaluated 2026-08-04.

Conditions:
Hereditary cancer-predisposing syndrome. Also called: Hereditary Cancer Syndrome; Tumor predisposition; Hereditary neoplastic syndrome; Neoplastic Syndromes, Hereditary. Identifiers: Orphanet 140162, MedGen C0027672, MeSH D009386, MONDO:0015356.
Hereditary pheochromocytoma and paraganglioma. Also called: Hereditary pheochromocytoma-paraganglioma; Hereditary Paraganglioma-Pheochromocytoma Syndromes; Hereditary paragangliomas and pheochromocytomas. Identifiers: Orphanet 29072, MedGen C4274332, MONDO:0017366.
Pheochromocytoma/paraganglioma syndrome 2. Also called: Paragangliomas 2; GLOMUS TUMORS, FAMILIAL, 2; SDHAF2-Related Hereditary Paraganglioma-Pheochromocytoma Syndrome; SDHAF2-Related Hereditary Paraganglioma-Pheochromocytoma Syndrome (Paragangliomas 2). Identifiers: Orphanet 29072, MedGen C1866552, MONDO:0011121, OMIM 601650.

Allele frequency attached by ClinVar (database versions not stated): gnomAD exomes 0.00001 and 0.00002; TOPMed below 0.00001; gnomAD 0.00003 and 0.00004; 1000 Genomes Project 30x 0.00031; 1000 Genomes Project 0.00020; ExAC 0.00003.

Submissions (7):

Myriad Genetics, Inc.
Classification: Likely benign for Pheochromocytoma/paraganglioma syndrome 2. Last evaluated: 2026-08-04. Review status: criteria provided, single submitter. Criteria: Myriad Autosomal Dominant, Autosomal Recessive and X-Linked Classification Criteria (2023). Collection method: clinical testing. Allele origin: unknown.
Comment: This variant is considered likely benign. This variant has been observed at a population frequency that is significantly greater than expected given the associated disease prevalence and penetrance.

Color Diagnostics, LLC DBA Color Health
Classification: Uncertain significance for Hereditary pheochromocytoma and paraganglioma. Last evaluated: 2025-06-13. Review status: criteria provided, single submitter. Criteria: ACMG Guidelines, 2015. Collection method: clinical testing. Allele origin: germline.
Comment: This missense variant replaces arginine with cysteine at codon 69 of the SDHAF2 protein. Computational prediction is inconclusive regarding the impact of this variant on protein structure and function. To our knowledge, functional studies have not been reported for this variant. This variant has not been reported in individuals affected with SDHAF2-related disorders in the literature. This variant has been identified in 7/281894 chromosomes in the general population by the Genome Aggregation Database (gnomAD). The available evidence is insufficient to determine the role of this variant in disease conclusively. Therefore, this variant is classified as a Variant of Uncertain Significance.

Labcorp Genetics (formerly Invitae), Labcorp
Classification: Uncertain significance for Hereditary pheochromocytoma and paraganglioma. Last evaluated: 2025-01-12. Review status: criteria provided, single submitter. Criteria: Invitae Variant Classification Sherloc (09022015). Collection method: clinical testing. Allele origin: germline.
Comment: This sequence change replaces arginine, which is basic and polar, with cysteine, which is neutral and slightly polar, at codon 69 of the SDHAF2 protein (p.Arg69Cys). This variant is present in population databases (rs532255760, gnomAD 0.008%). This variant has not been reported in the literature in individuals affected with SDHAF2-related conditions. ClinVar contains an entry for this variant (Variation ID: 230189). An algorithm developed to predict the effect of missense changes on protein structure and function (PolyPhen-2) suggests that this variant is likely to be disruptive. In summary, the available evidence is currently insufficient to determine the role of this variant in disease. Therefore, it has been classified as a Variant of Uncertain Significance.

GeneDx
Classification: Uncertain significance. Last evaluated: 2024-11-07. Review status: criteria provided, single submitter. Criteria: GeneDx Variant Classification Process June 2021. Collection method: clinical testing. Allele origin: germline.
Comment: Not observed at significant frequency in large population cohorts (gnomAD); In silico analysis supports that this missense variant has a deleterious effect on protein structure/function; Has not been previously published as pathogenic or benign to our knowledge

All of Us Research Program, National Institutes of Health
Classification: Uncertain significance for Hereditary pheochromocytoma and paraganglioma. Last evaluated: 2024-08-06. Review status: criteria provided, single submitter. Criteria: ACMG Guidelines, 2015. Collection method: clinical testing. Allele origin: germline. Inheritance: Autosomal dominant inheritance. Observed: 3 variant alleles, 3 heterozygotes.
Comment: This missense variant replaces arginine with cysteine at codon 69 of the SDHAF2 protein. Computational prediction is inconclusive regarding the impact of this variant on protein structure and function (internally defined REVEL score threshold 0.5 < inconclusive < 0.7, PMID: 27666373). To our knowledge, functional studies have not been reported for this variant. This variant has not been reported in individuals affected with SDHAF2-related disorders in the literature. This variant has been identified in 7/281894 chromosomes in the general population by the Genome Aggregation Database (gnomAD). The available evidence is insufficient to determine the role of this variant in disease conclusively. Therefore, this variant is classified as a Variant of Uncertain Significance.

This study involves interpretation of variants in research participants for the purpose of population health screening. Participant phenotype was not available at the time of variant classification. Additional details can be found in publication PMID: 35346344, PMCID: PMC8962531

Ambry Genetics
Classification: Uncertain significance for Hereditary cancer-predisposing syndrome. Last evaluated: 2024-07-24. Review status: criteria provided, single submitter. Criteria: Ambry Variant Classification Scheme 2023. Collection method: clinical testing. Allele origin: germline.
Comment: The p.R69C variant (also known as c.205C>T), located in coding exon 2 of the SDHAF2 gene, results from a C to T substitution at nucleotide position 205. The arginine at codon 69 is replaced by cysteine, an amino acid with highly dissimilar properties. This amino acid position is highly conserved in available vertebrate species. In addition, this alteration is predicted to be deleterious by in silico analysis. Since supporting evidence is limited at this time, the clinical significance of this alteration remains unclear.

St. Jude Molecular Pathology, St. Jude Children's Research Hospital
Classification: Uncertain significance for Pheochromocytoma/paraganglioma syndrome 2. Last evaluated: 2023-10-26. Review status: criteria provided, single submitter. Criteria: St. Jude Assertion Criteria 2020. Collection method: clinical testing. Allele origin: germline.
Comment: The SDHAF2 c.205C>T (p.Arg69Cys) missense change has a maximum subpopulation frequency of 0.0081% in gnomAD v2.1.1. The in silico tool REVEL is inconclusive about a pathogenic or benign effect of this variant on protein function, and functional studies have not been performed. This variant has not been reported in individuals with SDHAF2-related disease. In summary, the evidence currently available is insufficient to determine the clinical significance of this variant. It has therefore been classified as of uncertain significance.

NM_017841.4(SDHAF2):c.205C>T (p.Arg69Cys)

Gene: SDHAF2 (succinate dehydrogenase complex assembly factor 2; plus strand). Cytogenetic location: 11q12.2.
Variant type: single nucleotide variant.
Coding change: c.205C>T on transcript NM_017841.4 (MANE Select); coding-DNA position 205, C replaced by T.
Protein change: p.Arg69Cys; replaces arginine 69 with cysteine.
Molecular consequence: missense variant.
Genome position (GRCh38, 1-based): chr11:61,437,793, C>T. VCF-style: chr11-61437793-C-T. GRCh37 (hg19) VCF-style: chr11-61205265-C-T.
Other names: short protein forms R69C.
Identifiers: ClinVar variation 230189 (VCV000230189.20), dbSNP rs532255760, ClinGen allele CA057946.